The following is an entry in ClinVar:

ClinVar aggregate classification (germline): Uncertain significance (1 of 4 stars; one submission).

Conditions:
Congenital muscular dystrophy due to LMNA mutation. Also called: Lamin A-related Congenital Muscular Dystrophy; Congenital muscular dystrophy, LMNA-related. Identifiers: Orphanet 157973, MedGen C2750785, MONDO:0013178, OMIM 613205.
Emery-Dreifuss muscular dystrophy 3, autosomal recessive (EDMD3). Identifiers: Orphanet 261, Orphanet 98855, MedGen C2750035, MONDO:0014676, OMIM 616516.
Familial partial lipodystrophy, Dunnigan type. Also called: Partial lipodystrophy, Dunnigan; LIPODYSTROPHY, FAMILIAL, OF LIMBS AND LOWER TRUNK; LIPODYSTROPHY, REVERSE PARTIAL. Identifiers: Orphanet 2348, MedGen C1720860, MONDO:0007906, OMIM 151660.
Emery-Dreifuss muscular dystrophy 2, autosomal dominant (EDMD2). Also called: MUSCULAR DYSTROPHY WITH EARLY CONTRACTURES AND CARDIOMYOPATHY, AUTOSOMAL DOMINANT; SCAPULOILIOPERONEAL ATROPHY WITH CARDIOPATHY; Limb-girdle muscular dystrophy, type 1B; Muscular dystrophy, proximal, type 1B; Benign scapuloperoneal muscular dystrophy with cardiomyopathy; LMNA-Related Emery-Dreifuss Muscular Dystrophy, Autosomal. Identifiers: Orphanet 261, Orphanet 264, MedGen C0410190, MONDO:0021569, OMIM 181350.

Submission:

Kariminejad - Najmabadi Pathology & Genetics Center
Classification: Uncertain significance for Emery-Dreifuss muscular dystrophy 2, autosomal dominant; Emery-Dreifuss muscular dystrophy 3, autosomal recessive; Familial partial lipodystrophy, Dunnigan type; Congenital muscular dystrophy due to LMNA mutation. Last evaluated: 2022-05-16. Review status: criteria provided, single submitter. Criteria: ACMG Guidelines, 2015. Collection method: clinical testing. Allele origin: germline. Inheritance: Autosomal dominant inheritance. Affected: yes.
Comment: PM1 PM2 PP3

NM_170707.4(LMNA):c.596C>T (p.Thr199Ile)

Gene: LMNA (lamin A/C; plus strand). Cytogenetic location: 1q22.
Variant type: single nucleotide variant.
Coding change: c.596C>T on transcript NM_170707.4 (MANE Select); coding-DNA position 596, C replaced by T.
Protein change: p.Thr199Ile; replaces threonine 199 with isoleucine.
Molecular consequence: missense variant. On other transcripts: 5 prime UTR variant (4).
Genome position (GRCh38, 1-based): chr1:156,134,485, C>T. VCF-style: chr1-156134485-C-T. GRCh37 (hg19) VCF-style: chr1-156104276-C-T.
Other names: c.260C>T, p.Thr87Ile (NM_001257374.3, NM_001406989.1, NM_001406998.1); c.353C>T, p.Thr118Ile (NM_001282624.2, NM_001406986.1, NM_001406987.1); c.596C>T, p.Thr199Ile (NM_001282625.2, NM_001282626.2, NM_001406983.1 and 6 more transcripts); c.299C>T, p.Thr100Ile (NM_001406988.1); c.38C>T, p.Thr13Ile (NM_001406990.1, NM_001406993.1, NM_001406995.1 and 4 more transcripts); c.-69C>T (NM_001406994.1, NM_001406999.1, NM_001407000.1 and 1 more transcripts); short protein forms T100I, T118I, T13I, T199I, T87I.
Identifiers: ClinVar variation 3896900 (VCV003896900.1).